The following is an entry in ClinVar:

NM_145038.5(DRC1):c.732G>A (p.Trp244Ter)

Gene: DRC1 (dynein regulatory complex subunit 1; plus strand). Cytogenetic location: 2p23.3.
Variant type: single nucleotide variant.
Coding change: c.732G>A on transcript NM_145038.5 (MANE Select); coding-DNA position 732, G replaced by A.
Protein change: p.Trp244Ter; replaces tryptophan 244 with a stop codon.
Molecular consequence: nonsense.
Genome position (GRCh38, 1-based): chr2:26,430,839, G>A. VCF-style: chr2-26430839-G-A. GRCh37 (hg19) VCF-style: chr2-26653707-G-A.
Other names: short protein forms W244*.
Identifiers: ClinVar variation 1451951 (VCV001451951.6), dbSNP rs371220148, ClinGen allele CA1561999.

ClinVar aggregate classification (germline): Pathogenic (1 of 4 stars; one submission).

Conditions:
Primary ciliary dyskinesia. Also called: Ciliary dyskinesia. Identifiers: Orphanet 244, MedGen C0008780, MONDO:0016575, HP:0012265.

Allele frequency attached by ClinVar (database versions not stated): gnomAD 0.00001; gnomAD exomes 0.00001; TOPMed 0.00001; ExAC 0.00002; ESP Exome Variant Server 0.00008.

Submission:

Labcorp Genetics (formerly Invitae), Labcorp
Classification: Pathogenic for Primary ciliary dyskinesia. Last evaluated: 2021-06-20. Review status: criteria provided, single submitter. Criteria: Invitae Variant Classification Sherloc (09022015). Collection method: clinical testing. Allele origin: germline.
Comment: For these reasons, this variant has been classified as Pathogenic. This variant has not been reported in the literature in individuals with DRC1-related conditions. This variant is present in population databases (rs371220148, ExAC 0.02%). This sequence change creates a premature translational stop signal (p.Trp244*) in the DRC1 gene. It is expected to result in an absent or disrupted protein product. Loss-of-function variants in DRC1 are known to be pathogenic (PMID: 23354437, 31960620).

Literature cited by the submitters: PubMed 23354437; PubMed 31960620.